The following is an entry in ClinVar:

NM_000138.5(FBN1):c.3959G>C (p.Cys1320Ser)

Gene: FBN1 (fibrillin 1; minus strand). Cytogenetic location: 15q21.1.
Variant type: single nucleotide variant.
Coding change: c.3959G>C on transcript NM_000138.5 (MANE Select); coding-DNA position 3959, G replaced by C.
Protein change: p.Cys1320Ser; replaces cysteine 1320 with serine.
Molecular consequence: missense variant.
Genome position (GRCh38, 1-based): chr15:48,481,660, C>G on the plus strand (G>C on the coding strand, the complement: FBN1 is on the minus strand). VCF-style: chr15-48481660-C-G. GRCh37 (hg19) VCF-style: chr15-48773857-C-G.
Other names: short protein forms C1320S.
Identifiers: ClinVar variation 549196 (VCV000549196.10), dbSNP rs113393517, ClinGen allele CA269523937.
Genomic context (GRCh38, chr15:48,481,660, plus strand): 5'-TGATACCAATCTCTTAACTACTTAATATTTTATTGTTCTACTTGAACAAACACACCTGTA[C>G]AGCCAGTTTTTCCTTTTTTGCCGGAGTAGCCCATATCACAGTGGCAGATAAATGAGCCTT-3'
Protein context (NP_000129.3, residues 1310-1330): GYSGKKGKTG[Cys1320Ser]TDINECEIGA

ClinVar aggregate classification (germline): Pathogenic. Review status: criteria provided, single submitter (1 of 4 stars). 2 submissions from 2 submitters: Pathogenic (1). 1 of the submissions does not count toward it. Last evaluated 2024-03-28.

Conditions:
Familial thoracic aortic aneurysm and aortic dissection (TAAD). Also called: Thoracic aortic aneurysms and dissections. Identifiers: Orphanet 91387, MedGen C4707243, MONDO:0019625.
Marfan syndrome (MFS). Also called: Marfan syndrome type 1; Marfan syndrome, classic; Marfan's syndrome; FBN1-Related Marfan Syndrome; MARFAN SYNDROME, TYPE I. Identifiers: Orphanet 284963, Orphanet 558, MedGen C0024796, MONDO:0007947, OMIM 154700.

Submissions (2):

Labcorp Genetics (formerly Invitae), Labcorp
Classification: Pathogenic for Marfan syndrome; Familial thoracic aortic aneurysm and aortic dissection. Last evaluated: 2024-03-28. Review status: criteria provided, single submitter. Criteria: Invitae Variant Classification Sherloc (09022015). Collection method: clinical testing. Allele origin: germline.
Comment: This sequence change replaces cysteine, which is neutral and slightly polar, with serine, which is neutral and polar, at codon 1320 of the FBN1 protein (p.Cys1320Ser). This variant is not present in population databases (gnomAD no frequency). This missense change has been observed in individuals with Marfan syndrome (PMID: 10464652, 11175294; Invitae). ClinVar contains an entry for this variant (Variation ID: 549196). Advanced modeling of protein sequence and biophysical properties (such as structural, functional, and spatial information, amino acid conservation, physicochemical variation, residue mobility, and thermodynamic stability) performed at Invitae indicates that this missense variant is expected to disrupt FBN1 protein function with a positive predictive value of 95%. Experimental studies have shown that this missense change affects FBN1 function (PMID: 11071382). This variant affects a cysteine residue in the EGF-like, TGFBP or hybrid motif domains of FBN1. Cysteine residues are believed to be involved in intramolecular disulfide bridges and have been shown to be important for FBN1 protein structure (PMID: 16905551, 19349279). In addition, missense substitutions affecting cysteine residues within these domains are significantly overrepresented among patients with Marfan syndrome (PMID: 16571647, 17701892). For these reasons, this variant has been classified as Pathogenic.

Center for Medical Genetics Ghent, University of Ghent
Classification: Likely pathogenic for Marfan syndrome. Last evaluated: 2017-11-07. Review status: no assertion criteria provided. Collection method: clinical testing. Allele origin: germline. Affected: yes. Not counted in ClinVar's aggregate classification.

Literature cited by the submitters: PubMed 10464652 (cited by Labcorp Genetics (formerly Invitae), Labcorp); PubMed 11175294 (cited by Labcorp Genetics (formerly Invitae), Labcorp); PubMed 11071382 (cited by Labcorp Genetics (formerly Invitae), Labcorp); PubMed 16905551 (cited by Labcorp Genetics (formerly Invitae), Labcorp); PubMed 19349279 (cited by Labcorp Genetics (formerly Invitae), Labcorp); PubMed 16571647 (cited by Labcorp Genetics (formerly Invitae), Labcorp); PubMed 17701892 (cited by Labcorp Genetics (formerly Invitae), Labcorp).